The following is an entry in ClinVar:

ClinVar aggregate classification (germline): Likely benign (1 of 4 stars; one submission).

Conditions:
PLCG1-related disorder. Also called: PLCG1-related condition.

gnomAD v4.1: 58 of 1,614,216 alleles (0.0036%); highest among the groups gnomAD compares: South Asian, 0.058%; no homozygotes.

Submission:

PreventionGenetics, part of Exact Sciences
Classification: Likely benign for PLCG1-related condition. Last evaluated: 2025-02-05. Review status: criteria provided, single submitter. Criteria: ACMG Guidelines, 2015. Collection method: clinical testing. Allele origin: germline.
Comment: This variant is classified as likely benign based on ACMG/AMP sequence variant interpretation guidelines (Richards et al. 2015 PMID: 25741868, with internal and published modifications).

NM_002660.3(PLCG1):c.1263G>A (p.Gln421=)

Gene: PLCG1 (phospholipase C gamma 1; plus strand). Cytogenetic location: 20q12.
Variant type: single nucleotide variant.
Coding change: c.1263G>A on transcript NM_002660.3 (MANE Select); coding-DNA position 1263, G replaced by A.
Protein change: p.Gln421=; no amino-acid change (glutamine 421 retained).
Molecular consequence: synonymous variant.
Genome position (GRCh38, 1-based): chr20:41,164,978, G>A. VCF-style: chr20-41164978-G-A. GRCh37 (hg19) VCF-style: chr20-39793618-G-A.
Other names: c.1263G>A, p.Gln421= (NM_182811.2).
Identifiers: ClinVar variation 4981285 (VCV004981285.1).